The following is an entry in ClinVar:

NM_004370.6(COL12A1):c.4795C>T (p.Arg1599Ter)

Gene: COL12A1 (collagen type XII alpha 1 chain; minus strand). Cytogenetic location: 6q13.
Variant type: single nucleotide variant.
Coding change: c.4795C>T on transcript NM_004370.6 (MANE Select); coding-DNA position 4795, C replaced by T.
Protein change: p.Arg1599Ter; replaces arginine 1599 with a stop codon.
Molecular consequence: nonsense.
Genome position (GRCh38, 1-based): chr6:75,143,284, G>A on the plus strand (C>T on the coding strand, the complement: COL12A1 is on the minus strand). VCF-style: chr6-75143284-G-A. GRCh37 (hg19) VCF-style: chr6-75853000-G-A.
Other names: c.4795C>T, p.Arg1599Ter (NM_001424113.1, NM_001424114.1); c.4522C>T, p.Arg1508Ter (NM_001424115.1); c.1303C>T, p.Arg435Ter (NM_001424116.1, NM_080645.3); short protein forms R435*, R1508*, R1599*.
Identifiers: ClinVar variation 4790924 (VCV004790924.1).
Genomic context (GRCh38, chr6:75,143,284, plus strand): 5'-TTCATATCTACTATCATCTTCAACCTACCTCTTTGACATCCTCTTCTGGTGTTTTGTATC[G>A]AACAATATATTTACGCACTTTTCCAGGCACAGGTTCCCAAAAGACATTCATAGTGCTGTG-3'

ClinVar aggregate classification (germline): Pathogenic (1 of 4 stars; one submission).

Conditions:
Bethlem myopathy 2 (BTHLM2). Identifiers: Orphanet 536516, Orphanet 610, MedGen C4225313, MONDO:0034022, OMIM 616471.
Ullrich congenital muscular dystrophy 2 (UCMD2). Identifiers: Orphanet 75840, MedGen C4225314, MONDO:0014654, OMIM 616470.

gnomAD v4.1: 1 of 1,613,392 alleles (0.000062%); highest among the groups gnomAD compares: Non-Finnish European, 0.000085%; no homozygotes.

Submission:

Labcorp Genetics (formerly Invitae), Labcorp
Classification: Pathogenic for Bethlem myopathy 2; Ullrich congenital muscular dystrophy 2. Last evaluated: 2025-04-24. Review status: criteria provided, single submitter. Criteria: Invitae Variant Classification Sherloc (09022015). Collection method: clinical testing. Allele origin: germline.
Comment: This sequence change creates a premature translational stop signal (p.Arg1599*) in the COL12A1 gene. It is expected to result in an absent or disrupted protein product. Loss-of-function variants in COL12A1 are known to be pathogenic (PMID: 24334604, 28973083). This variant is not present in population databases (gnomAD no frequency). This variant has not been reported in the literature in individuals affected with COL12A1-related conditions. Algorithms developed to predict the effect of sequence changes on RNA splicing suggest that this variant may disrupt the consensus splice site. For these reasons, this variant has been classified as Pathogenic.

Literature cited by the submitters: PubMed 24334604; PubMed 28973083.